The following is an entry in ClinVar:

NM_003072.5(SMARCA4):c.2696C>T (p.Thr899Met)

Gene: SMARCA4 (SWI/SNF related BAF chromatin remodeling complex subunit ATPase 4; plus strand). Cytogenetic location: 19p13.2.
Variant type: single nucleotide variant.
Coding change: c.2696C>T on transcript NM_003072.5 (MANE Select); coding-DNA position 2696, C replaced by T.
Protein change: p.Thr899Met; replaces threonine 899 with methionine.
Molecular consequence: missense variant. On other transcripts: non-coding transcript variant (1).
Genome position (GRCh38, 1-based): chr19:11,021,804, C>T. VCF-style: chr19-11021804-C-T. GRCh37 (hg19) VCF-style: chr19-11132480-C-T.
Other names: c.2696C>T, p.Thr899Met (NM_001128844.3, NM_001128845.2, NM_001128846.2 and 5 more transcripts); short protein forms T899M.
Identifiers: ClinVar variation 1511575 (VCV001511575.6), dbSNP rs1401056652, ClinGen allele CA404056051.

ClinVar aggregate classification (germline): Uncertain significance (1 of 4 stars; one submission).

Conditions:
Rhabdoid tumor predisposition syndrome 2 (RTPS2). Identifiers: Orphanet 231108, Orphanet 69077, MedGen C2750074, MONDO:0013224, OMIM 613325.

Submission:

Labcorp Genetics (formerly Invitae), Labcorp
Classification: Uncertain significance for Rhabdoid tumor predisposition syndrome 2. Last evaluated: 2024-05-20. Review status: criteria provided, single submitter. Criteria: Invitae Variant Classification Sherloc (09022015). Collection method: clinical testing. Allele origin: germline.
Comment: This sequence change replaces threonine, which is neutral and polar, with methionine, which is neutral and non-polar, at codon 899 of the SMARCA4 protein (p.Thr899Met). This variant is present in population databases (no rsID available, gnomAD 0.0009%). This variant has not been reported in the literature in individuals affected with SMARCA4-related conditions. ClinVar contains an entry for this variant (Variation ID: 1511575). Advanced modeling of protein sequence and biophysical properties (such as structural, functional, and spatial information, amino acid conservation, physicochemical variation, residue mobility, and thermodynamic stability) performed at Invitae indicates that this missense variant is expected to disrupt SMARCA4 protein function with a positive predictive value of 95%. In summary, the available evidence is currently insufficient to determine the role of this variant in disease. Therefore, it has been classified as a Variant of Uncertain Significance.